The following is an entry in ClinVar:

NM_001195.5(BFSP1):c.685C>T (p.Arg229Trp)

Gene: BFSP1 (beaded filament structural protein 1; minus strand). Cytogenetic location: 20p12.1.
Variant type: single nucleotide variant.
Coding change: c.685C>T on transcript NM_001195.5 (MANE Select); coding-DNA position 685, C replaced by T.
Protein change: p.Arg229Trp; replaces arginine 229 with tryptophan.
Molecular consequence: missense variant.
Genome position (GRCh38, 1-based): chr20:17,508,939, G>A on the plus strand (C>T on the coding strand, the complement: BFSP1 is on the minus strand). VCF-style: chr20-17508939-G-A. GRCh37 (hg19) VCF-style: chr20-17489584-G-A.
Other names: c.310C>T, p.Arg104Trp (NM_001161705.2); c.268C>T, p.Arg90Trp (NM_001278606.2, NM_001278608.2); c.352C>T, p.Arg118Trp (NM_001278607.2); short protein forms R104W, R118W, R229W, R90W.
Identifiers: ClinVar variation 1009059 (VCV001009059.9), dbSNP rs372210205, ClinGen allele CA9772246.

ClinVar aggregate classification (germline): Uncertain significance (1 of 4 stars; one submission).

Conditions:
Cataract 33. Also called: CATARACT 33, CORTICAL. Identifiers: Orphanet 91492, MedGen C3808107, MONDO:0012665, OMIM 611391.

Allele frequency attached by ClinVar (database versions not stated): gnomAD 0.00008 and 0.00009; TOPMed 0.00008; ESP Exome Variant Server 0.00015.
gnomAD v4.1: 139 of 1,605,012 alleles (0.0087%); highest among the groups gnomAD compares: Middle Eastern, 0.017%; no homozygotes.

Submission:

Labcorp Genetics (formerly Invitae), Labcorp
Classification: Uncertain significance for Cataract 33. Last evaluated: 2018-04-16. Review status: criteria provided, single submitter. Criteria: Invitae Variant Classification Sherloc (09022015). Collection method: clinical testing. Allele origin: germline.
Comment: This sequence change replaces arginine with tryptophan at codon 229 of the BFSP1 protein (p.Arg229Trp). The arginine residue is moderately conserved and there is a moderate physicochemical difference between arginine and tryptophan. This variant is present in population databases (rs372210205, ExAC 0.02%). This variant has not been reported in the literature in individuals with BFSP1-related disease. Algorithms developed to predict the effect of missense changes on protein structure and function do not agree on the potential impact of this missense change (SIFT: "Deleterious"; PolyPhen-2: "Benign"; Align-GVGD: "Class C0"). In summary, the available evidence is currently insufficient to determine the role of this variant in disease. Therefore, it has been classified as a Variant of Uncertain Significance.